The following is an entry in ClinVar:

ClinVar aggregate classification (germline): Likely pathogenic (1 of 4 stars; one submission).

Conditions:
NR5A1-related disorder. Also called: NR5A1-related condition.

Submission:

PreventionGenetics, part of Exact Sciences
Classification: Likely pathogenic for NR5A1-related condition. Last evaluated: 2024-10-03. Review status: criteria provided, single submitter. Criteria: ACMG Guidelines, 2015. Collection method: clinical testing. Allele origin: germline.
Comment: The NR5A1 c.64G>C variant is predicted to result in the amino acid substitution p.Gly22Arg. To our knowledge, this variant has not been reported in the literature or in a large population database, indicating this variant is rare. Other missense variants affecting the same amino acid (p.Gly22Ser, p.Gly22Cys, p.Gly22Asp, and p.Gly22Val) have been reported in patients with 46,XY disorders of sex development (Sudhakar et al. 2020. PubMed ID: 32008008; Zheng et al. 2023. PubMed ID: 36745277; Buonocore et al. 2019. PubMed ID: 31745530; Zhang et al. 2023. PubMed ID: 37147882). This variant is interpreted as likely pathogenic.

NM_004959.5(NR5A1):c.64G>C (p.Gly22Arg)

Gene: NR5A1 (nuclear receptor subfamily 5 group A member 1; minus strand). Cytogenetic location: 9q33.3.
Variant type: single nucleotide variant.
Coding change: c.64G>C on transcript NM_004959.5 (MANE Select); coding-DNA position 64, G replaced by C.
Protein change: p.Gly22Arg; replaces glycine 22 with arginine.
Molecular consequence: missense variant.
Genome position (GRCh38, 1-based): chr9:124,503,332, C>G on the plus strand (G>C on the coding strand, the complement: NR5A1 is on the minus strand). VCF-style: chr9-124503332-C-G. GRCh37 (hg19) VCF-style: chr9-127265611-C-G.
Other names: short protein forms G22R.
Identifiers: ClinVar variation 3344134 (VCV003344134.2).
Genomic context (GRCh38, chr9:124,503,332, plus strand): 5'-CTGCCGCGCGCTCGCCGCTCACCTTGCAGCTCTCACACGTGAGCAGTCCGTAGTGGTAGC[C>G]GGACACCTTGTCCCCGCACACGGGGCACAGCTCGTCCAGGTCCTCGTCGTACGAATAGTC-3'
Protein context (NP_004950.2, residues 12-32): LCPVCGDKVS[Gly22Arg]YHYGLLTCES